The following is an entry in ClinVar:

NM_001042492.3(NF1):c.2326-2A>C

Gene: NF1 (neurofibromin 1; plus strand). Cytogenetic location: 17q11.2.
Variant type: single nucleotide variant.
Coding change: c.2326-2A>C on transcript NM_001042492.3 (MANE Select); the canonical splice acceptor site of the intron before coding-DNA position 2326, A replaced by C.
Molecular consequence: splice acceptor variant.
Genome position (GRCh38, 1-based): chr17:31,227,521, A>C. VCF-style: chr17-31227521-A-C. GRCh37 (hg19) VCF-style: chr17-29554539-A-C.
Other names: c.2326-2A>C (NM_000267.4).
Identifiers: ClinVar variation 1076019 (VCV001076019.9), dbSNP rs1555613975, ClinGen allele CA398982989.

ClinVar aggregate classification (germline): Pathogenic/Likely pathogenic. Review status: criteria provided, multiple submitters, no conflicts (2 of 4 stars). 4 submissions from 4 submitters: Pathogenic (2); Likely pathogenic (2). Last evaluated 2026-05-30.

Conditions:
Neurofibromatosis, type 1 (NF1). Also called: VON RECKLINGHAUSEN DISEASE; NEUROFIBROMATOSIS, TYPE I, SOMATIC; Neurofibromatosis, type I; Peripheral type neurofibromatosis. Identifiers: Orphanet 636, MedGen C0027831, MONDO:0018975, OMIM 162200. Disease mechanism: loss of function.

Submissions (4):

NHS Central & South Genomic Laboratory Hub
Classification: Likely pathogenic for Neurofibromatosis type 1. Last evaluated: 2026-05-30. Review status: criteria provided, single submitter. Criteria: ACMG Guidelines, 2015. Collection method: clinical testing. Allele origin: germline. Affected: yes.

Institute of Immunology and Genetics Kaiserslautern
Classification: Pathogenic for Neurofibromatosis, type 1. Last evaluated: 2025-09-30. Review status: criteria provided, single submitter. Criteria: ACMG Guidelines, 2015. Collection method: clinical testing. Allele origin: germline. Affected: yes.
Comment: ACMG Criteria: PVS1, PM2, PP5; Variant was found in heterozygous state.

GeneDx
Classification: Likely pathogenic. Last evaluated: 2024-01-02. Review status: criteria provided, single submitter. Criteria: GeneDx Variant Classification Process June 2021. Collection method: clinical testing. Allele origin: germline. Affected: yes.
Comment: Canonical splice site variant predicted to result in an in-frame loss of the adjacent exon in a gene for which loss of function is a known mechanism of disease; Deletions involving coding exons of this gene are a known mechanism of disease (HGMD); Not observed at significant frequency in large population cohorts (gnomAD); This variant is associated with the following publications: (PMID: 12552569, 22155606, 31717729)

Labcorp Genetics (formerly Invitae), Labcorp
Classification: Pathogenic for Neurofibromatosis, type 1. Last evaluated: 2020-09-23. Review status: criteria provided, single submitter. Criteria: Invitae Variant Classification Sherloc (09022015). Collection method: clinical testing. Allele origin: germline.
Comment: Disruption of this splice site has been observed in individual(s) with neurofibromatosis type 1 (PMID: 12552569, 22155606, 31717729). This variant is not present in population databases (ExAC no frequency). This sequence change affects an acceptor splice site in intron 19 of the NF1 gene. It is expected to disrupt RNA splicing and likely results in an absent or disrupted protein product. For these reasons, this variant has been classified as Pathogenic. Donor and acceptor splice site variants typically lead to a loss of protein function (PMID: 16199547), and loss-of-function variants in NF1 are known to be pathogenic (PMID: 10712197, 23913538). Algorithms developed to predict the effect of sequence changes on RNA splicing suggest that this variant may disrupt the consensus splice site, but this prediction has not been confirmed by published transcriptional studies.

Literature cited by the submitters: PubMed 12552569 (cited by Labcorp Genetics (formerly Invitae), Labcorp); PubMed 22155606 (cited by Labcorp Genetics (formerly Invitae), Labcorp); PubMed 31717729 (cited by Labcorp Genetics (formerly Invitae), Labcorp); PubMed 16199547 (cited by Labcorp Genetics (formerly Invitae), Labcorp); PubMed 10712197 (cited by Labcorp Genetics (formerly Invitae), Labcorp); PubMed 23913538 (cited by Labcorp Genetics (formerly Invitae), Labcorp).